The following is an entry in ClinVar:

ClinVar aggregate classification (germline): Uncertain significance (1 of 4 stars; one submission).

Conditions:
Hereditary spastic paraplegia 72 (SPG72A). Also called: Spastic paraplegia 72, autosomal recessive. Identifiers: Orphanet 401849, MedGen C5882669, MONDO:0014282, OMIM 615625.

gnomAD v4.1: 44 of 1,613,700 alleles (0.0027%); highest among the groups gnomAD compares: Non-Finnish European, 0.0035%; no homozygotes.

Submission:

Labcorp Genetics (formerly Invitae), Labcorp
Classification: Uncertain significance for Hereditary spastic paraplegia 72. Last evaluated: 2025-09-10. Review status: criteria provided, single submitter. Criteria: Invitae Variant Classification Sherloc (09022015). Collection method: clinical testing. Allele origin: germline.
Comment: This sequence change falls in intron 3 of the REEP2 gene. It does not directly change the encoded amino acid sequence of the REEP2 protein. This variant is present in population databases (rs375307650, gnomAD 0.004%). This variant has not been reported in the literature in individuals affected with REEP2-related conditions. Algorithms developed to predict the effect of sequence changes on RNA splicing suggest that this variant may create or strengthen a splice site. In summary, the available evidence is currently insufficient to determine the role of this variant in disease. Therefore, it has been classified as a Variant of Uncertain Significance.

NM_001271803.2(REEP2):c.183-6C>T

Gene: REEP2 (receptor accessory protein 2; plus strand). Cytogenetic location: 5q31.2.
Variant type: single nucleotide variant.
Coding change: c.183-6C>T on transcript NM_001271803.2 (MANE Select); 6 bases into the intron before coding-DNA position 183, C replaced by T.
Molecular consequence: intron variant.
Genome position (GRCh38, 1-based): chr5:138,444,409, C>T. VCF-style: chr5-138444409-C-T. GRCh37 (hg19) VCF-style: chr5-137780098-C-T.
Other names: c.183-6C>T (NM_016606.4).
Identifiers: ClinVar variation 4762716 (VCV004762716.1).